The following is an entry in ClinVar:

NM_022098.4(XPNPEP3):c.47A>T (p.Asn16Ile)

Gene: XPNPEP3 (X-prolyl aminopeptidase 3; plus strand). Cytogenetic location: 22q13.2.
Variant type: single nucleotide variant.
Coding change: c.47A>T on transcript NM_022098.4 (MANE Select); coding-DNA position 47, A replaced by T.
Protein change: p.Asn16Ile; replaces asparagine 16 with isoleucine.
Molecular consequence: missense variant.
Genome position (GRCh38, 1-based): chr22:40,857,228, A>T. VCF-style: chr22-40857228-A-T. GRCh37 (hg19) VCF-style: chr22-41253232-A-T.
Other names: c.47A>T, p.Asn16Ile (NM_001204827.2); short protein forms N16I.
Identifiers: ClinVar variation 1508602 (VCV001508602.8), dbSNP rs893424638, ClinGen allele CA324503340.

ClinVar aggregate classification (germline): Uncertain significance (1 of 4 stars; one submission).

Conditions:
Nephronophthisis-like nephropathy 1 (NPHPL1). Identifiers: Orphanet 655, MedGen C3150419, MONDO:0013163, OMIM 613159.

Allele frequency attached by ClinVar (database versions not stated): gnomAD exomes below 0.00001; gnomAD 0.00001; TOPMed 0.00001.
gnomAD v4.1: 2 of 1,614,070 alleles (0.00012%); highest among the groups gnomAD compares: Admixed American, 0.0033%; no homozygotes.

Submission:

Labcorp Genetics (formerly Invitae), Labcorp
Classification: Uncertain significance for Nephronophthisis-like nephropathy 1. Last evaluated: 2022-08-16. Review status: criteria provided, single submitter. Criteria: Invitae Variant Classification Sherloc (09022015). Collection method: clinical testing. Allele origin: germline.
Comment: This variant is present in population databases (no rsID available, gnomAD 0.003%). In summary, the available evidence is currently insufficient to determine the role of this variant in disease. Therefore, it has been classified as a Variant of Uncertain Significance. Algorithms developed to predict the effect of missense changes on protein structure and function (SIFT, PolyPhen-2, Align-GVGD) all suggest that this variant is likely to be tolerated. ClinVar contains an entry for this variant (Variation ID: 1508602). This variant has not been reported in the literature in individuals affected with XPNPEP3-related conditions. This sequence change replaces asparagine, which is neutral and polar, with isoleucine, which is neutral and non-polar, at codon 16 of the XPNPEP3 protein (p.Asn16Ile).